The following is an entry in ClinVar:

NM_004006.3(DMD):c.2419C>T (p.Gln807Ter)

Gene: DMD (dystrophin; minus strand). Cytogenetic location: Xp21.1.
Variant type: single nucleotide variant.
Coding change: c.2419C>T on transcript NM_004006.3 (MANE Select); coding-DNA position 2419, C replaced by T.
Protein change: p.Gln807Ter; replaces glutamine 807 with a stop codon.
Molecular consequence: nonsense.
Genome position (GRCh38, 1-based): chrX:32,491,480, G>A on the plus strand (C>T on the coding strand, the complement: DMD is on the minus strand). VCF-style: chrX-32491480-G-A. GRCh37 (hg19) VCF-style: chrX-32509597-G-A.
Other names: NP_003997.1:p.Gln807*; c.2395C>T, p.Gln799Ter (NM_000109.4); c.2407C>T, p.Gln803Ter (NM_004009.3); c.2050C>T, p.Gln684Ter (NM_004010.3); short protein forms Q807*, Q684*, Q803*, Q799*.
Identifiers: ClinVar variation 94511 (VCV000094511.16), dbSNP rs398123888, ClinGen allele CA266934.
Genomic context (GRCh38, chrX:32,491,480, plus strand): 5'-CCAGCCAGTTAAGTCTCTCACTTAGCAACTGGCAGAATTCGATCCACCGGCTGTTCAGTT[G>A]TTCTGAGGCTTGTTTGATGCTATCTGCATTAACACCCTCTAGAAAGAAAAAAATAATTAA-3'

ClinVar aggregate classification (germline): Pathogenic. Review status: criteria provided, multiple submitters, no conflicts (2 of 4 stars). 2 submissions from 2 submitters: Pathogenic (2). Last evaluated 2023-08-27.

Conditions:
Duchenne muscular dystrophy (DMD). Also called: Duchenne Muscular Dystrophy (DMD); MUSCULAR DYSTROPHY, PSEUDOHYPERTROPHIC PROGRESSIVE, DUCHENNE TYPE. Identifiers: Orphanet 98896, MedGen C0013264, MONDO:0010679, OMIM 310200.

Submissions (2):

Labcorp Genetics (formerly Invitae), Labcorp
Classification: Pathogenic for Duchenne muscular dystrophy. Last evaluated: 2023-08-27. Review status: criteria provided, single submitter. Criteria: Invitae Variant Classification Sherloc (09022015). Collection method: clinical testing. Allele origin: germline.
Comment: For these reasons, this variant has been classified as Pathogenic. ClinVar contains an entry for this variant (Variation ID: 94511). This premature translational stop signal has been observed in individuals with Becker or Duchenne muscular dystrophy (PMID: 19937601, 25972034). This variant is not present in population databases (gnomAD no frequency). This sequence change creates a premature translational stop signal (p.Gln807*) in the DMD gene. It is expected to result in an absent or disrupted protein product. Loss-of-function variants in DMD are known to be pathogenic (PMID: 16770791, 25007885).

Eurofins Ntd Llc (ga)
Classification: Pathogenic. Last evaluated: 2018-06-19. Review status: criteria provided, single submitter. Criteria: EGL ClinVar v180209 classification definitions. Collection method: clinical testing. Allele origin: germline. Observed: 4 variant alleles, 2 heterozygotes, 2 hemizygotes.

Literature cited by the submitters: PubMed 19937601 (cited by Labcorp Genetics (formerly Invitae), Labcorp and Eurofins Ntd Llc (ga)); PubMed 25972034 (cited by Labcorp Genetics (formerly Invitae), Labcorp and Eurofins Ntd Llc (ga)); PubMed 16770791 (cited by Labcorp Genetics (formerly Invitae), Labcorp); PubMed 25007885 (cited by Labcorp Genetics (formerly Invitae), Labcorp).